The following is an entry in ClinVar:

NM_033360.4(KRAS):c.4+287A>G

Gene: KRAS (KRas proto-oncogene, GTPase; minus strand). Cytogenetic location: 12p12.1.
Variant type: single nucleotide variant.
Coding change: c.4+287A>G on transcript NM_033360.4 (MANE Plus Clinical); 287 bases into the intron after coding-DNA position 4, A replaced by G.
Molecular consequence: intron variant.
Genome position (GRCh38, 1-based): chr12:25,215,150, T>C on the plus strand (A>G on the coding strand, the complement: KRAS is on the minus strand). VCF-style: chr12-25215150-T-C. GRCh37 (hg19) VCF-style: chr12-25368084-T-C.
Other names: c.451-5239A>G (LRG_344t1, NM_001369787.1, NM_004985.5); c.4+287A>G (NM_001369786.1, LRG_344t2).
Identifiers: ClinVar variation 561815 (VCV000561815.2), dbSNP rs6487461, ClinGen allele CA15725690.

ClinVar aggregate classification (germline): Benign. Review status: criteria provided, multiple submitters, no conflicts (2 of 4 stars). 2 submissions from 2 submitters: Benign (2). Last evaluated 2018-07-04.

Allele frequency attached by ClinVar (database versions not stated): TOPMed 0.47947; 1000 Genomes Project 30x 0.52967; gnomAD 0.53272; 1000 Genomes Project 0.54752.
gnomAD v4.1: 201,939 of 377,220 alleles (54%); highest among the groups gnomAD compares: East Asian, 80%; 48,579 homozygotes.

Submissions (2):

Blueprint Genetics
Classification: Benign. Last evaluated: 2018-07-04. Review status: criteria provided, single submitter. Criteria: ACMG Guidelines, 2015. Collection method: clinical testing. Allele origin: germline.

GeneDx
Classification: Benign. Last evaluated: 2018-06-18. Review status: criteria provided, single submitter. Criteria: GeneDx Variant Classification (06012015). Collection method: clinical testing. Allele origin: germline. Affected: yes.
Comment: This variant is considered likely benign or benign based on one or more of the following criteria: it is a conservative change, it occurs at a poorly conserved position in the protein, it is predicted to be benign by multiple in silico algorithms, and/or has population frequency not consistent with disease.